The following is an entry in ClinVar:

NM_003816.3(ADAM9):c.1913C>G (p.Ser638Cys)

Gene: ADAM9 (ADAM metallopeptidase domain 9; plus strand). Cytogenetic location: 8p11.22.
Variant type: single nucleotide variant.
Coding change: c.1913C>G on transcript NM_003816.3 (MANE Select); coding-DNA position 1913, C replaced by G.
Protein change: p.Ser638Cys; replaces serine 638 with cysteine.
Molecular consequence: missense variant. On other transcripts: non-coding transcript variant (2).
Genome position (GRCh38, 1-based): chr8:39,082,672, C>G. VCF-style: chr8-39082672-C-G. GRCh37 (hg19) VCF-style: chr8-38940191-C-G.
Other names: short protein forms S638C.
Identifiers: ClinVar variation 1444741 (VCV001444741.6), dbSNP rs1430932273, ClinGen allele CA370747382.
Genomic context (GRCh38, chr8:39,082,672, plus strand): 5'-TTTACTTAGTTCATTTTTTTTTTTTTCAGATCTGTAGAAACTTCCAGTGTGTAGATGCTT[C>G]TGTTCTGAATTATGACTGTGATGTTCAGAAAAAGTGTCATGGACATGGGGTAGGTAATGT-3'
Protein context (NP_003807.1, residues 628-648): ICRNFQCVDA[Ser638Cys]VLNYDCDVQK

ClinVar aggregate classification (germline): Uncertain significance (1 of 4 stars; one submission).

Allele frequency attached by ClinVar (database versions not stated): gnomAD exomes below 0.00001; TOPMed below 0.00001; gnomAD 0.00001.
gnomAD v4.1: 2 of 1,607,524 alleles (0.00012%); highest among the groups gnomAD compares: African/African-American, 0.0027%; no homozygotes.

Submission:

Labcorp Genetics (formerly Invitae), Labcorp
Classification: Uncertain significance. Last evaluated: 2021-12-04. Review status: criteria provided, single submitter. Criteria: Invitae Variant Classification Sherloc (09022015). Collection method: clinical testing. Allele origin: germline.
Comment: This sequence change replaces serine, which is neutral and polar, with cysteine, which is neutral and slightly polar, at codon 638 of the ADAM9 protein (p.Ser638Cys). This variant is present in population databases (no rsID available, gnomAD 0.007%). This variant has not been reported in the literature in individuals affected with ADAM9-related conditions. Algorithms developed to predict the effect of missense changes on protein structure and function (SIFT, PolyPhen-2, Align-GVGD) all suggest that this variant is likely to be disruptive. In summary, the available evidence is currently insufficient to determine the role of this variant in disease. Therefore, it has been classified as a Variant of Uncertain Significance.